The following is an entry in ClinVar:

NM_004385.5(VCAN):c.7852C>G (p.Gln2618Glu)

Genes: VCAN (versican; plus strand), VCAN-AS1 (VCAN antisense RNA 1; minus strand). Cytogenetic location: 5q14.3.
Variant type: single nucleotide variant.
Coding change: c.7852C>G on transcript NM_004385.5 (MANE Select); coding-DNA position 7852, C replaced by G.
Protein change: p.Gln2618Glu; replaces glutamine 2618 with glutamic acid.
Molecular consequence: missense variant. On other transcripts: intron variant (2).
Genome position (GRCh38, 1-based): chr5:83,540,855, C>G. VCF-style: chr5-83540855-C-G. GRCh37 (hg19) VCF-style: chr5-82836674-C-G.
Other names: c.4891C>G, p.Gln1631Glu (NM_001164097.2); c.4004-4682C>G (NM_001164098.2); c.1043-4682C>G (NM_001126336.3); c.7852C>G (NM_004385.4); short protein forms Q1631E, Q2618E.
Identifiers: ClinVar variation 1403414 (VCV001403414.9), dbSNP rs748740023, ClinGen allele CA3333699.

ClinVar aggregate classification (germline): Uncertain significance. Review status: criteria provided, multiple submitters, no conflicts (2 of 4 stars). 2 submissions from 2 submitters: Uncertain significance (2). Last evaluated 2025-12-03.

Conditions:
Inborn genetic diseases. Identifiers: MedGen C0950123, MeSH D030342.

Allele frequency attached by ClinVar (database versions not stated): gnomAD exomes 0.00001; TOPMed 0.00001; gnomAD 0.00002; ExAC 0.00003.
gnomAD v4.1: 21 of 1,613,846 alleles (0.0013%); highest among the groups gnomAD compares: Non-Finnish European, 0.0017%; no homozygotes.

Submissions (2):

Ambry Genetics
Classification: Uncertain significance for Inborn genetic diseases. Last evaluated: 2025-12-03. Review status: criteria provided, single submitter. Criteria: Ambry Variant Classification Scheme 2023. Collection method: clinical testing. Allele origin: germline.

Labcorp Genetics (formerly Invitae), Labcorp
Classification: Uncertain significance. Last evaluated: 2025-08-30. Review status: criteria provided, single submitter. Criteria: Invitae Variant Classification Sherloc (09022015). Collection method: clinical testing. Allele origin: germline.
Comment: This sequence change replaces glutamine, which is neutral and polar, with glutamic acid, which is acidic and polar, at codon 2618 of the VCAN protein (p.Gln2618Glu). This variant is present in population databases (rs748740023, gnomAD 0.007%). This variant has not been reported in the literature in individuals affected with VCAN-related conditions. ClinVar contains an entry for this variant (Variation ID: 1403414). An algorithm developed to predict the effect of missense changes on protein structure and function outputs the following: PolyPhen-2: "Benign". The glutamic acid amino acid residue is found in multiple mammalian species, which suggests that this missense change does not adversely affect protein function. In summary, the available evidence is currently insufficient to determine the role of this variant in disease. Therefore, it has been classified as a Variant of Uncertain Significance.